The following is an entry in ClinVar:

ClinVar aggregate classification (germline): Likely benign (1 of 4 stars; one submission).

Allele frequency attached by ClinVar (database versions not stated): gnomAD 0.00001; TOPMed 0.00001; ExAC 0.00003.
gnomAD v4.1: 19 of 1,613,884 alleles (0.0012%); highest among the groups gnomAD compares: Middle Eastern, 0.033%; no homozygotes.

Submission:

CeGaT Center for Human Genetics Tuebingen
Classification: Likely benign. Last evaluated: 2022-06-01. Review status: criteria provided, single submitter. Criteria: CeGaT Center For Human Genetics Tuebingen Variant Classification Criteria Version 2. Collection method: clinical testing. Allele origin: germline. Affected: yes. Observed: 1 variant allele.
Comment: LGALS8: BP4, BP7

NM_201544.4(LGALS8):c.219C>T (p.Ala73=)

Gene: LGALS8 (galectin 8; plus strand). Cytogenetic location: 1q43.
Variant type: single nucleotide variant.
Coding change: c.219C>T on transcript NM_201544.4 (MANE Select); coding-DNA position 219, C replaced by T.
Protein change: p.Ala73=; no amino-acid change (alanine 73 retained).
Molecular consequence: synonymous variant.
Genome position (GRCh38, 1-based): chr1:236,538,963, C>T. VCF-style: chr1-236538963-C-T. GRCh37 (hg19) VCF-style: chr1-236702263-C-T.
Other names: c.219C>T, p.Ala73= (NM_006499.5, NM_201543.4, NM_201545.2).
Identifiers: ClinVar variation 2640104 (VCV002640104.24), dbSNP rs762545035, ClinGen allele CA1470269.
Genomic context (GRCh38, chr1:236,538,963, plus strand): 5'-CAGCAGCATGAAACCTCGAGCCGATGTGGCCTTTCATTTCAATCCTCGTTTCAAAAGGGC[C>T]GGCTGCATTGTTTGCAATACTTTGATAAATGAAAAATGGGGACGGGAAGAGATCACCTAT-3'
Protein context (NP_963838.1, residues 63-83): AFHFNPRFKR[Ala73=]GCIVCNTLIN